The following is an entry in ClinVar:

ClinVar aggregate classification (germline): Uncertain significance (1 of 4 stars; one submission).

Conditions:
CFAP221-related disorder. Also called: CFAP221-related condition.

Submission:

PreventionGenetics, part of Exact Sciences
Classification: Uncertain significance for CFAP221-related condition. Last evaluated: 2026-03-30. Review status: criteria provided, single submitter. Criteria: ACMG Guidelines, 2015. Collection method: clinical testing. Allele origin: germline.
Comment: The CFAP221 c.1030_1031delinsTC variant is predicted to result in an in-frame deletion and insertion. To our knowledge, this variant has not been reported in the literature or in a large population database (gnomAD), indicating this variant is rare. At this time, the clinical significance of this variant is uncertain due to the absence of conclusive functional and genetic evidence.

NM_001271049.2(CFAP221):c.1030_1031inv (p.Asp344Ser)

Gene: CFAP221 (cilia and flagella associated protein 221; plus strand). Cytogenetic location: 2q14.2.
Variant type: Inversion.
Coding change: c.1030_1031inv on transcript NM_001271049.2 (MANE Select).
Protein change: p.Asp344Ser; replaces aspartic acid 344 with serine.
Molecular consequence: missense variant. On other transcripts: non-coding transcript variant (2).
Genome position: GRCh38 VCF-style: chr2-119605186-GA-TC. GRCh37 (hg19) VCF-style: chr2-120362762-GA-TC.
Other names: short protein forms D344S.
Identifiers: ClinVar variation 4994272 (VCV004994272.1).